The following is an entry in ClinVar:

ClinVar aggregate classification (germline): Uncertain significance (1 of 4 stars; one submission).

Conditions:
Cardiovascular phenotype. Identifiers: MedGen CN230736.

Submission:

Ambry Genetics
Classification: Uncertain significance for Cardiovascular phenotype. Last evaluated: 2024-12-21. Review status: criteria provided, single submitter. Criteria: Ambry Variant Classification Scheme 2023. Collection method: clinical testing. Allele origin: germline.
Comment: The p.R73W variant (also known as c.217C>T), located in coding exon 1 of the ALPK3 gene, results from a C to T substitution at nucleotide position 217. The arginine at codon 73 is replaced by tryptophan, an amino acid with dissimilar properties. This amino acid position is conserved. In addition, this alteration is predicted to be tolerated by in silico analysis. Based on the available evidence, the clinical significance of this variant remains unclear.

NM_020778.4(ALPK3):c.217C>T (p.Arg73Trp)

Gene: ALPK3 (alpha kinase 3; plus strand). Cytogenetic location: 15q25.3.
Variant type: single nucleotide variant.
Coding change: c.217C>T on transcript NM_020778.4; coding-DNA position 217, C replaced by T.
Protein change: p.Arg73Trp; replaces arginine 73 with tryptophan.
Genome position (GRCh38, 1-based): chr15:84,817,063, C>T. VCF-style: chr15-84817063-C-T. GRCh37 (hg19) VCF-style: chr15-85360294-C-T.
Other names: short protein forms R73W.
Identifiers: ClinVar variation 3859231 (VCV003859231.1).